The following is an entry in ClinVar:

NM_001195129.2(PRSS56):c.641AGGAGCCCC[1] (p.214QEP[1])

Gene: PRSS56 (serine protease 56; plus strand). Cytogenetic location: 2q37.1.
Variant type: Microsatellite.
Coding change: c.641AGGAGCCCC[1] on transcript NM_001195129.2 (MANE Select); one copy of the 9-base unit AGGAGCCCC starting at c.641; the reference has two copies in a row; one copy, 9 bases deleted.
Protein change: p.214QEP[1].
Genome position (GRCh38, 1-based): chr2:232,522,805-232,522,813, AGGAGCCCC deleted; deleting any 9 consecutive bases within chr2:232,522,791-232,522,813 gives the same sequence; the position shown is the placement nearest the transcript's 3' end. VCF-style (leftmost placement, unchanged base first): chr2-232522790-TGCCCCAGGA-T. GRCh37 (hg19) VCF-style: chr2-233387500-TGCCCCAGGA-T.
Other names: c.641AGGAGCCCC[1], p.214QEP[1] (NM_001369848.1).
Identifiers: ClinVar variation 4806855 (VCV004806855.1).

ClinVar aggregate classification (germline): Uncertain significance (1 of 4 stars; one submission).

Conditions:
Isolated microphthalmia 6. Also called: MICROPHTHALMIA, POSTERIOR NONSYNDROMIC. Identifiers: Orphanet 2542, MedGen C3150757, MONDO:0013293, OMIM 613517.

Submission:

Labcorp Genetics (formerly Invitae), Labcorp
Classification: Uncertain significance for Isolated microphthalmia 6. Last evaluated: 2026-01-27. Review status: criteria provided, single submitter. Criteria: Invitae Variant Classification Sherloc (09022015). Collection method: clinical testing. Allele origin: germline.
Comment: This variant, c.650_658del, results in the deletion of 3 amino acid(s) of the PRSS56 protein (p.Gln217_Pro219del), but otherwise preserves the integrity of the reading frame. This variant is present in population databases (no rsID available, gnomAD 0.005%). This variant has been observed in individual(s) with clinical features of PRSS56-related conditions (internal data). Experimental studies and prediction algorithms are not available or were not evaluated, and the functional significance of this variant is currently unknown. In summary, the available evidence is currently insufficient to determine the role of this variant in disease. Therefore, it has been classified as a Variant of Uncertain Significance.